The following is an entry in ClinVar:

ClinVar aggregate classification (germline): Uncertain significance (1 of 4 stars; one submission).

Submission:

Labcorp Genetics (formerly Invitae), Labcorp
Classification: Uncertain significance. Last evaluated: 2022-08-19. Review status: criteria provided, single submitter. Criteria: Invitae Variant Classification Sherloc (09022015). Collection method: clinical testing. Allele origin: germline.
Comment: Algorithms developed to predict the effect of missense changes on protein structure and function (SIFT, PolyPhen-2, Align-GVGD) all suggest that this variant is likely to be tolerated. In summary, the available evidence is currently insufficient to determine the role of this variant in disease. Therefore, it has been classified as a Variant of Uncertain Significance. This sequence change replaces methionine, which is neutral and non-polar, with leucine, which is neutral and non-polar, at codon 884 of the KIF11 protein (p.Met884Leu). This variant is not present in population databases (gnomAD no frequency). This variant has not been reported in the literature in individuals affected with KIF11-related conditions. ClinVar contains an entry for this variant (Variation ID: 1353759).

NM_004523.4(KIF11):c.2650A>C (p.Met884Leu)

Gene: KIF11 (kinesin family member 11; plus strand). Cytogenetic location: 10q23.33.
Variant type: single nucleotide variant.
Coding change: c.2650A>C on transcript NM_004523.4 (MANE Select); coding-DNA position 2650, A replaced by C.
Protein change: p.Met884Leu; replaces methionine 884 with leucine.
Molecular consequence: missense variant.
Genome position (GRCh38, 1-based): chr10:92,648,314, A>C. VCF-style: chr10-92648314-A-C. GRCh37 (hg19) VCF-style: chr10-94408071-A-C.
Other names: short protein forms M884L.
Identifiers: ClinVar variation 1353759 (VCV001353759.6), dbSNP rs2135924803, ClinGen allele CA377805521.